The following is an entry in ClinVar:

ClinVar aggregate classification (germline): Likely pathogenic (1 of 4 stars; one submission).

Submission:

Labcorp Genetics (formerly Invitae), Labcorp
Classification: Likely pathogenic. Last evaluated: 2025-08-18. Review status: criteria provided, single submitter. Criteria: Invitae Variant Classification Sherloc (09022015). Collection method: clinical testing. Allele origin: germline.
Comment: This variant results in the deletion of part of exon 6 (c.553-25_560del) of the LARP7 gene. It is expected to disrupt RNA splicing. Variants that disrupt the donor or acceptor splice site typically lead to a loss of protein function (PMID: 16199547), and loss-of-function variants in LARP7 are known to be pathogenic (PMID: 22865833, 26374271, 26607181). This variant is not present in population databases (gnomAD no frequency). This variant has not been reported in the literature in individuals affected with LARP7-related conditions. In summary, the currently available evidence indicates that the variant is pathogenic, but additional data are needed to prove that conclusively. Therefore, this variant has been classified as Likely Pathogenic.

Literature cited by the submitters: PubMed 16199547; PubMed 22865833; PubMed 26374271; PubMed 26607181.

NM_016648.4(LARP7):c.553-25_560del

Genes: LARP7 (La ribonucleoprotein 7, transcriptional regulator; plus strand), MIR302CHG (miR-302/367 cluster host gene; minus strand). Cytogenetic location: 4q25.
Variant type: Deletion.
Coding change: c.553-25_560del on transcript NM_016648.4 (MANE Select); 25 bases into the intron before coding-DNA position 553 through coding-DNA position 560, 33 bases deleted.
Molecular consequence: splice acceptor variant.
Genome position (GRCh38, 1-based): chr4:112,647,009-112,647,041, 33 bases deleted; deleting any 33 consecutive bases within chr4:112,647,007-112,647,041 gives the same sequence; the c. name uses the placement nearest the transcript's 3' end. GRCh37 (hg19): chr4:113,568,165-113,568,197.
Other names: c.553-25_560del (NM_001267039.4, NM_001370974.1, NM_001370976.1 and 6 more transcripts); c.316-25_323del (NM_001370982.1, NM_001370981.1).
Identifiers: ClinVar variation 4763799 (VCV004763799.1).
Genomic context (GRCh38, chr4:112,647,006, plus strand): 5'-AGCAATTGAGGTAAGTCCAGATCCTAAAAAAAAAAAAAGAAAGAAAAGAAAACAAGTATT[AAAATAGTAACTTTTGCAATCATTTCAGTTTCTT>A]AACAACCCACCAGAAGAAGCACCAAGAAAACCTGGCATATTTCCTAAAACAGTGAAAAAT-3'